The following is an entry in ClinVar:

ClinVar aggregate classification (germline): Benign/Likely benign. Review status: criteria provided, multiple submitters, no conflicts (2 of 4 stars). 2 submissions from 2 submitters: Benign (1); Likely benign (1). Last evaluated 2025-02-19.

Conditions:
Hereditary cancer-predisposing syndrome. Also called: Neoplastic Syndromes, Hereditary; Tumor predisposition; Hereditary Cancer Syndrome; Hereditary neoplastic syndrome. Identifiers: Orphanet 140162, MedGen C0027672, MeSH D009386, MONDO:0015356.
Breast-ovarian cancer, familial, susceptibility to, 3. Also called: RAD51C-Related Breast/Ovarian Cancer. Identifiers: Orphanet 145, MedGen C3150659, MONDO:0013253, OMIM 613399.

Submissions (2):

Myriad Genetics, Inc.
Classification: Benign for Breast-ovarian cancer, familial, susceptibility to, 3. Last evaluated: 2025-02-19. Review status: criteria provided, single submitter. Criteria: Myriad Autosomal Dominant, Autosomal Recessive and X-Linked Classification Criteria (2023). Collection method: clinical testing. Allele origin: unknown.
Comment: This variant is considered benign. This variant is a silent/synonymous amino acid change and it is not expected to impact splicing.

Ambry Genetics
Classification: Likely benign for Hereditary cancer-predisposing syndrome. Last evaluated: 2024-12-08. Review status: criteria provided, single submitter. Criteria: Ambry Variant Classification Scheme 2023. Collection method: clinical testing. Allele origin: germline.

NM_058216.3(RAD51C):c.1035A>T (p.Gly345=)

Gene: RAD51C (RAD51 paralog C; plus strand). Cytogenetic location: 17q22.
Variant type: single nucleotide variant.
Coding change: c.1035A>T on transcript NM_058216.3 (MANE Select); coding-DNA position 1035, A replaced by T.
Protein change: p.Gly345=; no amino-acid change (glycine 345 retained).
Molecular consequence: synonymous variant. On other transcripts: non-coding transcript variant (1).
Genome position (GRCh38, 1-based): chr17:58,734,126, A>T. VCF-style: chr17-58734126-A-T. GRCh37 (hg19) VCF-style: chr17-56811487-A-T.
Identifiers: ClinVar variation 3429727 (VCV003429727.2).